The following is an entry in ClinVar:

ClinVar aggregate classification (germline): Pathogenic (1 of 4 stars; one submission).

Conditions:
Fabry disease. Also called: ALPHA-GALACTOSIDASE A DEFICIENCY; ANDERSON-FABRY DISEASE; CERAMIDE TRIHEXOSIDASE DEFICIENCY; GLA DEFICIENCY; HEREDITARY DYSTOPIC LIPIDOSIS; Angiokeratoma corporis diffusum. Identifiers: Orphanet 324, MedGen C0002986, MONDO:0010526, OMIM 301500, HP:0001071. Disease mechanism: Fabry disease is due to inactivating mutations in the X-linked GLA gene resulting in deficiency of the enzyme Alpha Galactosidase-A., loss of function.

Submission:

Genomenon, Inc
Classification: Pathogenic for Fabry disease. Last evaluated: 2026-09-08. Review status: criteria provided, single submitter. Criteria: Genomenon Sequence Variant Interpretation Standards - Updated. Collection method: curation. Allele origin: germline. Affected: yes.
Comment: GLA p.Asn53ProfsTer68 (c.157_158delinsC) is a frameshift variant that is predicted to introduce a premature termination codon and result in a truncated or absent protein product. This variant has been observed in at least one proband with clinical features consistent with Fabry disease (PMID:25085675). It is absent or not present at a significant frequency in gnomAD. In conclusion, we classify GLA p.Asn53ProfsTer68 (c.157_158delinsC) as a pathogenic variant.

Literature cited by the submitters: PubMed 25085675.

NM_000169.3(GLA):c.157_158delinsC (p.Asn53fs)

Genes: GLA (galactosidase alpha; minus strand), RPL36A-HNRNPH2 (RPL36A-HNRNPH2 readthrough; plus strand). Cytogenetic location: Xq22.1.
Variant type: Indel.
Coding change: c.157_158delinsC on transcript NM_000169.3 (MANE Select); coding-DNA positions 157 to 158, AA replaced by C.
Protein change: p.Asn53fs; shifts the reading frame from asparagine 53.
Molecular consequence: frameshift variant. On other transcripts: non-coding transcript variant (3), intron variant (2).
Genome position (GRCh38, 1-based): chrX:101,407,746-101,407,747, TT replaced by G on the plus strand (AA replaced by C on the coding strand, the reverse complement: GLA is on the minus strand). VCF-style: chrX-101407746-TT-G. GRCh37 (hg19) VCF-style: chrX-100662734-TT-G.
Other names: c.157_158delinsC, p.Asn53fs (NM_001406747.1, NM_001406748.1, NM_001406749.1); c.301-4190_301-4189delinsG (NM_001199973.2); c.178-4190_178-4189delinsG (NM_001199974.2); short protein forms N53fs.
Identifiers: ClinVar variation 4087265 (VCV004087265.2).